The following is an entry in ClinVar:

NM_001134831.2(AHI1):c.2632G>A (p.Val878Ile)

Gene: AHI1 (Abelson helper integration site 1; minus strand). Cytogenetic location: 6q23.3.
Variant type: single nucleotide variant.
Coding change: c.2632G>A on transcript NM_001134831.2 (MANE Select); coding-DNA position 2632, G replaced by A.
Protein change: p.Val878Ile; replaces valine 878 with isoleucine.
Molecular consequence: missense variant.
Genome position (GRCh38, 1-based): chr6:135,427,299, C>T on the plus strand (G>A on the coding strand, the complement: AHI1 is on the minus strand). VCF-style: chr6-135427299-C-T. GRCh37 (hg19) VCF-style: chr6-135748437-C-T.
Other names: c.2632G>A (NM_017651.4); c.2632G>A, p.Val878Ile (NM_001134830.2, NM_001134832.2, NM_001350503.2 and 2 more transcripts); short protein forms V878I.
Identifiers: ClinVar variation 1436823 (VCV001436823.5), dbSNP rs2128006042, ClinGen allele CA365741475.

ClinVar aggregate classification (germline): Uncertain significance. Review status: criteria provided, multiple submitters, no conflicts (2 of 4 stars). 3 submissions from 3 submitters: Uncertain significance (3). Last evaluated 2024-08-07.

Conditions:
Inborn genetic diseases. Identifiers: MedGen C0950123, MeSH D030342.
Joubert syndrome. Also called: CEREBELLOPARENCHYMAL DISORDER IV; JOUBERT-BOLTSHAUSER SYNDROME; Familial aplasia of the vermis. Identifiers: Orphanet 475, MedGen C5979921, MONDO:0018772.
Joubert syndrome 3 (JBTS3). Also called: AHI1-related Ciliopathy. Identifiers: Orphanet 220493, MedGen C1837713, MONDO:0012078, OMIM 608629.

Allele frequency attached by ClinVar (database versions not stated): gnomAD exomes below 0.00001.
gnomAD v4.1: 1 of 1,608,294 alleles (0.000062%); highest among the groups gnomAD compares: Non-Finnish European, 0.000085%; no homozygotes.

Submissions (3):

Ambry Genetics
Classification: Uncertain significance for Inborn genetic diseases. Last evaluated: 2024-08-07. Review status: criteria provided, single submitter. Criteria: Ambry Variant Classification Scheme 2023. Collection method: clinical testing. Allele origin: germline.

Fulgent Genetics
Classification: Uncertain significance for Joubert syndrome 3. Last evaluated: 2023-12-27. Review status: criteria provided, single submitter. Criteria: ACMG Guidelines, 2015. Collection method: clinical testing. Allele origin: germline.

Labcorp Genetics (formerly Invitae), Labcorp
Classification: Uncertain significance for Joubert syndrome. Last evaluated: 2022-06-05. Review status: criteria provided, single submitter. Criteria: Invitae Variant Classification Sherloc (09022015). Collection method: clinical testing. Allele origin: germline.
Comment: This sequence change replaces valine, which is neutral and non-polar, with isoleucine, which is neutral and non-polar, at codon 878 of the AHI1 protein (p.Val878Ile). This variant is not present in population databases (gnomAD no frequency). This variant has not been reported in the literature in individuals affected with AHI1-related conditions. ClinVar contains an entry for this variant (Variation ID: 1436823). Advanced modeling of protein sequence and biophysical properties (such as structural, functional, and spatial information, amino acid conservation, physicochemical variation, residue mobility, and thermodynamic stability) performed at Invitae indicates that this missense variant is not expected to disrupt AHI1 protein function. In summary, the available evidence is currently insufficient to determine the role of this variant in disease. Therefore, it has been classified as a Variant of Uncertain Significance.